The following is an entry in ClinVar:

NM_001698.3(AUH):c.589C>G (p.Arg197Gly)

Gene: AUH (AU RNA binding methylglutaconyl-CoA hydratase; minus strand). Cytogenetic location: 9q22.31.
Variant type: single nucleotide variant.
Coding change: c.589C>G on transcript NM_001698.3 (MANE Select); coding-DNA position 589, C replaced by G.
Protein change: p.Arg197Gly; replaces arginine 197 with glycine.
Molecular consequence: missense variant.
Genome position (GRCh38, 1-based): chr9:91,297,993, G>C on the plus strand (C>G on the coding strand, the complement: AUH is on the minus strand). VCF-style: chr9-91297993-G-C. GRCh37 (hg19) VCF-style: chr9-94060275-G-C.
Other names: c.502C>G, p.Arg168Gly (NM_001306190.2); c.262C>G, p.Arg88Gly (NM_001351431.2, NM_001351432.2, NM_001351433.2); short protein forms R168G, R197G, R88G.
Identifiers: ClinVar variation 5017854 (VCV005017854.1).

ClinVar aggregate classification (germline): Uncertain significance (1 of 4 stars; one submission).

Submission:

GeneDx
Classification: Uncertain significance. Last evaluated: 2026-04-03. Review status: criteria provided, single submitter. Criteria: GeneDx Variant Classification Process June 2021. Collection method: clinical testing. Allele origin: germline.
Comment: Not observed at significant frequency in large population cohorts (gnomAD); In silico analysis supports that this missense variant has a deleterious effect on protein structure/function; Has not been previously published as pathogenic or benign to our knowledge